The following is an entry in ClinVar:

NM_001104631.2(PDE4D):c.2341G>A (p.Asp781Asn)

Gene: PDE4D (phosphodiesterase 4D; minus strand). Cytogenetic location: 5q11.2.
Variant type: single nucleotide variant.
Coding change: c.2341G>A on transcript NM_001104631.2 (MANE Select); coding-DNA position 2341, G replaced by A.
Protein change: p.Asp781Asn; replaces aspartic acid 781 with asparagine.
Molecular consequence: missense variant.
Genome position (GRCh38, 1-based): chr5:58,974,753, C>T on the plus strand (G>A on the coding strand, the complement: PDE4D is on the minus strand). VCF-style: chr5-58974753-C-T. GRCh37 (hg19) VCF-style: chr5-58270580-C-T.
Other names: c.2158G>A, p.Asp720Asn (NM_001165899.2, NM_001364599.1); c.2149G>A, p.Asp717Asn (NM_001197218.2); c.1975G>A, p.Asp659Asn (NM_001197219.2); c.1951G>A, p.Asp651Asn (NM_001197220.2); c.1435G>A, p.Asp479Asn (NM_001197221.2, NM_001364603.1); c.1669G>A, p.Asp557Asn (NM_001197222.2); c.1468G>A, p.Asp490Asn (NM_001197223.2); c.2128G>A, p.Asp710Asn (NM_001349241.2); and 3 more; short protein forms D479N, D490N, D525N, D557N, D645N, D651N, D659N, D671N.
Identifiers: ClinVar variation 2578977 (VCV002578977.25), dbSNP rs1394361462, ClinGen allele CA359812267.
Genomic context (GRCh38, chr5:58,974,753, plus strand): 5'-CACAGGCTTCAGGCTGGCTTTCCTCTTCTTCCCCTACTGCCTCCTCTTCAACCTGTTCAT[C>T]AAGGGGAATTTCAGTAGACTCTGAGTCTTGAGTACAAAGAGTCTTGGAGTCACTGCAGCT-3'
Protein context (NP_001098101.1, residues 771-791): QDSESTEIPL[Asp781Asn]EQVEEEAVGE

ClinVar aggregate classification (germline): Uncertain significance (1 of 4 stars; one submission).

Allele frequency attached by ClinVar (database versions not stated): TOPMed 0.00001.

Submission:

CeGaT Center for Human Genetics Tuebingen
Classification: Uncertain significance. Last evaluated: 2023-08-01. Review status: criteria provided, single submitter. Criteria: CeGaT Center For Human Genetics Tuebingen Variant Classification Criteria Version 2. Collection method: clinical testing. Allele origin: germline. Affected: yes. Observed: 1 variant allele.
Comment: PDE4D: PM2, PP4